The following is an entry in ClinVar:

NM_000384.3(APOB):c.11374C>T (p.Pro3792Ser)

Gene: APOB (apolipoprotein B; minus strand). Cytogenetic location: 2p24.1.
Variant type: single nucleotide variant.
Coding change: c.11374C>T on transcript NM_000384.3 (MANE Select); coding-DNA position 11374, C replaced by T.
Protein change: p.Pro3792Ser; replaces proline 3792 with serine.
Molecular consequence: missense variant.
Genome position (GRCh38, 1-based): chr2:21,005,494, G>A on the plus strand (C>T on the coding strand, the complement: APOB is on the minus strand). VCF-style: chr2-21005494-G-A. GRCh37 (hg19) VCF-style: chr2-21228366-G-A.
Other names: short protein forms P3792S.
Identifiers: ClinVar variation 895150 (VCV000895150.10), dbSNP rs767327489, ClinGen allele CA046472.

ClinVar aggregate classification (germline): Conflicting classifications of pathogenicity. Review status: criteria provided, conflicting classifications (1 of 4 stars). 5 submissions from 4 submitters: Uncertain significance (4); Likely benign (1). Last evaluated 2024-12-03.

Conditions:
Familial hypobetalipoproteinemia 1. Also called: APOB-Related Familial Hypobetalipoproteinemia; Hypobetalipoproteinemia, normotriglyceridemic; Acanthocytosis with hypobetalipoproteinemia. Identifiers: MedGen C4551990, MONDO:0014252, OMIM 615558.
Hypercholesterolemia, autosomal dominant, type B (FHCL2). Also called: Hyperlipoproteinemia Type IIb; APOLIPOPROTEIN B-100, FAMILIAL DEFECTIVE; APOLIPOPROTEIN B-100, FAMILIAL LIGAND-DEFECTIVE; HYPERCHOLESTEROLEMIA, FAMILIAL, DUE TO LIGAND-DEFECTIVE APOLIPOPROTEIN B; APOB-Related Familial Hypercholesterolemia, Autosomal Dominant; Familial Hypercholesterolemia Type B. Identifiers: MedGen C1704417, MONDO:0007751, OMIM 144010.

Allele frequency attached by ClinVar (database versions not stated): TOPMed below 0.00001; ExAC 0.00001; gnomAD 0.00001; gnomAD exomes 0.00002 and 0.00003.
gnomAD v4.1: 50 of 1,613,796 alleles (0.0031%); highest among the groups gnomAD compares: Non-Finnish European, 0.0042%; no homozygotes.

Submissions (5):

GeneDx
Classification: Uncertain significance. Last evaluated: 2024-12-03. Review status: criteria provided, single submitter. Criteria: GeneDx Variant Classification Process June 2021. Collection method: clinical testing. Allele origin: germline. Affected: yes.
Comment: Not observed at significant frequency in large population cohorts (gnomAD); In silico analysis supports that this missense variant has a deleterious effect on protein structure/function; Has not been previously published as pathogenic or benign to our knowledge

Labcorp Genetics (formerly Invitae), Labcorp
Classification: Likely benign for Familial hypobetalipoproteinemia 1; Hypercholesterolemia, autosomal dominant, type B. Last evaluated: 2024-07-22. Review status: criteria provided, single submitter. Criteria: Invitae Variant Classification Sherloc (09022015). Collection method: clinical testing. Allele origin: germline.

Fulgent Genetics
Classification: Uncertain significance for Hypercholesterolemia, autosomal dominant, type B; Familial hypobetalipoproteinemia 1. Last evaluated: 2021-10-07. Review status: criteria provided, single submitter. Criteria: ACMG Guidelines, 2015. Collection method: clinical testing. Allele origin: unknown.

Illumina Laboratory Services, Illumina
Classification: Uncertain significance for Hypercholesterolemia, autosomal dominant, type B. Last evaluated: 2018-01-12. Review status: criteria provided, single submitter. Criteria: ICSL Variant Classification Criteria 13 December 2019. Collection method: clinical testing. Allele origin: germline.

Illumina Laboratory Services, Illumina
Classification: Uncertain significance for Familial hypobetalipoproteinemia 1. Last evaluated: 2018-01-12. Review status: criteria provided, single submitter. Criteria: ICSL Variant Classification Criteria 13 December 2019. Collection method: clinical testing. Allele origin: germline.